The following is an entry in ClinVar:

NR_033320.3(MIAT):n.1410G>T

Gene: MIAT (myocardial infarction associated transcript; plus strand). Cytogenetic location: 22q12.1.
Variant type: single nucleotide variant.
Molecular consequence: non-coding transcript variant (on NR_033320.3).
Genome position: GRCh38 VCF-style: chr22-26666790-G-T. GRCh37 (hg19) VCF-style: chr22-27062753-G-T.
Identifiers: ClinVar variation 3035661 (VCV003035661.1), dbSNP rs1275309058, ClinGen allele CA514042491.

ClinVar aggregate classification (germline): Benign (1 of 4 stars; one submission).

Conditions:
MIAT-related disorder. Also called: MIAT-related condition.

Submission:

PreventionGenetics, part of Exact Sciences
Classification: Benign for MIAT-related condition. Last evaluated: 2019-03-18. Review status: criteria provided, single submitter. Criteria: ACMG Guidelines, 2015. Collection method: clinical testing. Allele origin: germline.
Comment: This variant is classified as benign based on ACMG/AMP sequence variant interpretation guidelines (Richards et al. 2015 PMID: 25741868, with internal and published modifications).